The following is an entry in ClinVar:

NM_000161.3(GCH1):c.532A>T (p.Arg178Ter)

Gene: GCH1 (GTP cyclohydrolase 1; minus strand). Cytogenetic location: 14q22.2.
Variant type: single nucleotide variant.
Coding change: c.532A>T on transcript NM_000161.3 (MANE Select); coding-DNA position 532, A replaced by T.
Protein change: p.Arg178Ter; replaces arginine 178 with a stop codon.
Molecular consequence: nonsense.
Genome position (GRCh38, 1-based): chr14:54,847,108, T>A on the plus strand (A>T on the coding strand, the complement: GCH1 is on the minus strand). VCF-style: chr14-54847108-T-A. GRCh37 (hg19) VCF-style: chr14-55313826-T-A.
Other names: c.532A>T, p.Arg178Ter (NM_001024024.2, NM_001024070.2, NM_001024071.2); short protein forms R178*.
Identifiers: ClinVar variation 640160 (VCV000640160.6), dbSNP rs1594971274, ClinGen allele CA389787464.

ClinVar aggregate classification (germline): Pathogenic (1 of 4 stars; one submission).

Conditions:
Dystonia 5 (DRD). Also called: Dystonia, DOPA-responsive, with or without hyperphenylalaninemia; DYSTONIA, PROGRESSIVE, WITH DIURNAL VARIATION; DYSTONIA-PARKINSONISM WITH DIURNAL FLUCTUATION; DYT-GCH1; GTP Cyclohydrolase 1-Deficient Dopa-Responsive Dystonia. Identifiers: Orphanet 98808, MedGen C1851920, MONDO:0007495, OMIM 128230.
GTP cyclohydrolase I deficiency. Identifiers: MedGen C0268467, MONDO:0100184.

Submission:

Labcorp Genetics (formerly Invitae), Labcorp
Classification: Pathogenic for GTP cyclohydrolase I deficiency; Dystonia 5. Last evaluated: 2018-10-04. Review status: criteria provided, single submitter. Criteria: Invitae Variant Classification Sherloc (09022015). Collection method: clinical testing. Allele origin: germline.
Comment: For these reasons, this variant has been classified as Pathogenic. This sequence change creates a premature translational stop signal (p.Arg178*) in the GCH1 gene. It is expected to result in an absent or disrupted protein product. This variant is not present in population databases (ExAC no frequency). This variant has not been reported in the literature in individuals with GCH1-related disease. Loss-of-function variants in GCH1 are known to be pathogenic (PMID: 19491146).

Literature cited by the submitters: PubMed 19491146.